The following is an entry in ClinVar:

NM_170707.4(LMNA):c.1232dup (p.Gly412fs)

Gene: LMNA (lamin A/C; plus strand). Cytogenetic location: 1q22.
Variant type: Duplication.
Coding change: c.1232dup on transcript NM_170707.4 (MANE Select); coding-DNA position 1232, one base duplicated (G; older notation c.1232dupG).
Protein change: p.Gly412fs; shifts the reading frame from glycine 412.
Molecular consequence: frameshift variant.
Genome position (GRCh38, 1-based): chr1:156,136,288, G duplicated; the last of 3 consecutive G bases (chr1:156,136,286-156,136,288); duplicating any one gives the same sequence. VCF-style (leftmost placement, unchanged base first): chr1-156136285-A-AG. GRCh37 (hg19) VCF-style: chr1-156106076-A-AG.
Other names: c.896dup, p.Gly300fs (NM_001257374.3); c.989dup, p.Gly331fs (NM_001282624.2); c.1232dup, p.Gly412fs (NM_001282625.2, NM_001282626.2, NM_005572.4 and 1 more transcripts); short protein forms G331fs, G300fs, G412fs.
Identifiers: ClinVar variation 1383718 (VCV001383718.6), dbSNP rs2102889960, ClinGen allele CA2573130610.

ClinVar aggregate classification (germline): Pathogenic (1 of 4 stars; one submission).

Conditions:
Charcot-Marie-Tooth disease type 2. Also called: Charcot-Marie-Tooth type 2. Identifiers: Orphanet 64746, MedGen C0270914, MONDO:0018993.

Submission:

Labcorp Genetics (formerly Invitae), Labcorp
Classification: Pathogenic for Charcot-Marie-Tooth disease type 2. Last evaluated: 2021-11-02. Review status: criteria provided, single submitter. Criteria: Invitae Variant Classification Sherloc (09022015). Collection method: clinical testing. Allele origin: germline.
Comment: For these reasons, this variant has been classified as Pathogenic. This variant has not been reported in the literature in individuals affected with LMNA-related conditions. This variant is not present in population databases (gnomAD no frequency). This sequence change creates a premature translational stop signal (p.Gly412Trpfs*14) in the LMNA gene. It is expected to result in an absent or disrupted protein product. Loss-of-function variants in LMNA are known to be pathogenic (PMID: 18585512, 18926329).

Literature cited by the submitters: PubMed 18585512; PubMed 18926329.